The following is an entry in ClinVar:

ClinVar aggregate classification (germline): Uncertain significance. Review status: criteria provided, multiple submitters, no conflicts (2 of 4 stars). 2 submissions from 2 submitters: Uncertain significance (2). Last evaluated 2026-01-31.

Allele frequency attached by ClinVar (database versions not stated): ExAC 0.00002; ESP Exome Variant Server 0.00008; 1000 Genomes Project 30x 0.00016; 1000 Genomes Project 0.00020.
gnomAD v4.1: 81 of 1,614,124 alleles (0.005%); highest among the groups gnomAD compares: Non-Finnish European, 0.0064%; no homozygotes.

Submissions (2):

Labcorp Genetics (formerly Invitae), Labcorp
Classification: Uncertain significance. Last evaluated: 2026-01-31. Review status: criteria provided, single submitter. Criteria: Invitae Variant Classification Sherloc (09022015). Collection method: clinical testing. Allele origin: germline.
Comment: This sequence change replaces alanine, which is neutral and non-polar, with serine, which is neutral and polar, at codon 557 of the MICAL1 protein (p.Ala557Ser). This variant is present in population databases (rs199690907, gnomAD 0.003%). This variant has not been reported in the literature in individuals affected with MICAL1-related conditions. ClinVar contains an entry for this variant (Variation ID: 1989922). An algorithm developed to predict the effect of missense changes on protein structure and function (PolyPhen-2) suggests that this variant is likely to be tolerated. In summary, the available evidence is currently insufficient to determine the role of this variant in disease. Therefore, it has been classified as a Variant of Uncertain Significance.

Ambry Genetics
Classification: Uncertain significance. Last evaluated: 2022-12-06. Review status: criteria provided, single submitter. Criteria: Ambry Variant Classification Scheme 2023. Collection method: clinical testing. Allele origin: germline.

NM_022765.4(MICAL1):c.1612G>T (p.Ala538Ser)

Gene: MICAL1 (microtubule associated monooxygenase, calponin and LIM domain containing 1; minus strand). Cytogenetic location: 6q21.
Variant type: single nucleotide variant.
Coding change: c.1612G>T on transcript NM_022765.4 (MANE Select); coding-DNA position 1612, G replaced by T.
Protein change: p.Ala538Ser; replaces alanine 538 with serine.
Molecular consequence: missense variant.
Genome position (GRCh38, 1-based): chr6:109,448,784, C>A on the plus strand (G>T on the coding strand, the complement: MICAL1 is on the minus strand). VCF-style: chr6-109448784-C-A. GRCh37 (hg19) VCF-style: chr6-109769987-C-A.
Other names: c.1354G>T, p.Ala452Ser (NM_001159291.2); c.1669G>T, p.Ala557Ser (NM_001286613.2); short protein forms A452S, A538S, A557S.
Identifiers: ClinVar variation 1989922 (VCV001989922.5), dbSNP rs199690907, ClinGen allele CA3953280.